The following is an entry in ClinVar:

ClinVar aggregate classification (germline): Uncertain significance (1 of 4 stars; one submission).

Conditions:
FADD-related immunodeficiency. Also called: FADD DEFICIENCY; Infections, recurrent, with encephalopathy, hepatic dysfunction, and cardiovascular malformations. Identifiers: Orphanet 306550, MedGen C3151062, MONDO:0013408, OMIM 613759.

Allele frequency attached by ClinVar (database versions not stated): gnomAD exomes below 0.00001.

Submission:

Labcorp Genetics (formerly Invitae), Labcorp
Classification: Uncertain significance for FADD-related immunodeficiency. Last evaluated: 2020-03-18. Review status: criteria provided, single submitter. Criteria: Invitae Variant Classification Sherloc (09022015). Collection method: clinical testing. Allele origin: germline.
Comment: This sequence change replaces glutamic acid with glycine at codon 51 of the FADD protein (p.Glu51Gly). The glutamic acid residue is highly conserved and there is a moderate physicochemical difference between glutamic acid and glycine. This variant is not present in population databases (ExAC no frequency). This variant has not been reported in the literature in individuals with FADD-related conditions. Algorithms developed to predict the effect of missense changes on protein structure and function are either unavailable or do not agree on the potential impact of this missense change (SIFT: "Deleterious"; PolyPhen-2: "Benign"; Align-GVGD: "Class C0"). In summary, the available evidence is currently insufficient to determine the role of this variant in disease. Therefore, it has been classified as a Variant of Uncertain Significance.

NM_003824.4(FADD):c.152A>G (p.Glu51Gly)

Gene: FADD (Fas associated via death domain; plus strand). Cytogenetic location: 11q13.3.
Variant type: single nucleotide variant.
Coding change: c.152A>G on transcript NM_003824.4 (MANE Select); coding-DNA position 152, A replaced by G.
Protein change: p.Glu51Gly; replaces glutamic acid 51 with glycine.
Molecular consequence: missense variant.
Genome position (GRCh38, 1-based): chr11:70,203,611, A>G. VCF-style: chr11-70203611-A-G. GRCh37 (hg19) VCF-style: chr11-70049717-A-G.
Other names: short protein forms E51G.
Identifiers: ClinVar variation 1007395 (VCV001007395.9), dbSNP rs2049438451, ClinGen allele CA381665236.